The following is an entry in ClinVar:

NM_000350.3(ABCA4):c.1805G>C (p.Arg602Pro)

Gene: ABCA4 (ATP binding cassette subfamily A member 4; minus strand). Cytogenetic location: 1p22.1.
Variant type: single nucleotide variant.
Coding change: c.1805G>C on transcript NM_000350.3 (MANE Select); coding-DNA position 1805, G replaced by C.
Protein change: p.Arg602Pro; replaces arginine 602 with proline.
Molecular consequence: missense variant.
Genome position (GRCh38, 1-based): chr1:94,062,709, C>G on the plus strand (G>C on the coding strand, the complement: ABCA4 is on the minus strand). VCF-style: chr1-94062709-C-G. GRCh37 (hg19) VCF-style: chr1-94528265-C-G.
Other names: c.1805G>C, p.Arg602Pro (NM_001425324.1); short protein forms R602P.
Identifiers: ClinVar variation 2066654 (VCV002066654.5), dbSNP rs61749410, ClinGen allele CA341279655.

ClinVar aggregate classification (germline): Conflicting classifications of pathogenicity. Review status: criteria provided, conflicting classifications (1 of 4 stars). 2 submissions from 2 submitters: Likely pathogenic (1); Uncertain significance (1). Last evaluated 2025-10-29.

gnomAD v4.1: 3 of 1,614,106 alleles (0.00019%); highest among the groups gnomAD compares: South Asian, 0.0033%; no homozygotes.

Submissions (2):

Women's Health and Genetics/Laboratory Corporation of America, LabCorp
Classification: Uncertain significance. Last evaluated: 2025-10-29. Review status: criteria provided, single submitter. Criteria: LabCorp Variant Classification Summary - May 2015. Collection method: clinical testing. Allele origin: germline.
Comment: Variant summary: ABCA4 c.1805G>C (p.Arg602Pro) results in a non-conservative amino acid change in the encoded protein sequence. Algorithms developed to predict the effect of missense changes on protein structure and function all suggest that this variant is likely to be disruptive. The variant was absent in 250860 control chromosomes. To our knowledge, no occurrence of c.1805G>C in individuals affected with ABCA4-related conditions and no experimental evidence demonstrating its impact on protein function have been reported. ClinVar contains an entry for this variant (Variation ID: 2066654). Based on the evidence outlined above, the variant was classified as VUS-possibly pathogenic.

Labcorp Genetics (formerly Invitae), Labcorp
Classification: Likely pathogenic. Last evaluated: 2021-12-30. Review status: criteria provided, single submitter. Criteria: Invitae Variant Classification Sherloc (09022015). Collection method: clinical testing. Allele origin: germline.
Comment: This variant disrupts the p.Arg602 amino acid residue in ABCA4. Other variant(s) that disrupt this residue have been determined to be pathogenic (PMID: 16103129, 23755871; Invitae). This suggests that this residue is clinically significant, and that variants that disrupt this residue are likely to be disease-causing. This sequence change replaces arginine, which is basic and polar, with proline, which is neutral and non-polar, at codon 602 of the ABCA4 protein (p.Arg602Pro). This variant is not present in population databases (gnomAD no frequency). This variant has not been reported in the literature in individuals affected with ABCA4-related conditions. Advanced modeling of protein sequence and biophysical properties (such as structural, functional, and spatial information, amino acid conservation, physicochemical variation, residue mobility, and thermodynamic stability) performed at Invitae indicates that this missense variant is expected to disrupt ABCA4 protein function. In summary, the currently available evidence indicates that the variant is pathogenic, but additional data are needed to prove that conclusively. Therefore, this variant has been classified as Likely Pathogenic.

Literature cited by the submitters: PubMed 16103129 (cited by Labcorp Genetics (formerly Invitae), Labcorp); PubMed 23755871 (cited by Labcorp Genetics (formerly Invitae), Labcorp).